The following is an entry in ClinVar:

NM_004415.4(DSP):c.3085-145A>T

Gene: DSP (desmoplakin; plus strand). Cytogenetic location: 6p24.3.
Variant type: single nucleotide variant.
Coding change: c.3085-145A>T on transcript NM_004415.4 (MANE Select); 145 bases into the intron before coding-DNA position 3085, A replaced by T.
Molecular consequence: intron variant.
Genome position (GRCh38, 1-based): chr6:7,579,130, A>T. VCF-style: chr6-7579130-A-T. GRCh37 (hg19) VCF-style: chr6-7579363-A-T.
Other names: c.3085-145A>T (NM_001319034.2, NM_001008844.3).
Identifiers: ClinVar variation 672149 (VCV000672149.1), dbSNP rs2806227, ClinGen allele CA15454031.

ClinVar aggregate classification (germline): Benign (1 of 4 stars; one submission).

Allele frequency attached by ClinVar (database versions not stated): gnomAD 0.67811 and 0.68301; TOPMed 0.68922; 1000 Genomes Project 30x 0.70237; 1000 Genomes Project 0.70507.
gnomAD v4.1: 769,700 of 1,100,540 alleles (70%); highest among the groups gnomAD compares: East Asian, 81%; 270,692 homozygotes.

Submission:

GeneDx
Classification: Benign. Last evaluated: 2018-06-15. Review status: criteria provided, single submitter. Criteria: GeneDx Variant Classification (06012015). Collection method: clinical testing. Allele origin: germline. Affected: yes.
Comment: This variant is considered likely benign or benign based on one or more of the following criteria: it is a conservative change, it occurs at a poorly conserved position in the protein, it is predicted to be benign by multiple in silico algorithms, and/or has population frequency not consistent with disease.